The following is an entry in ClinVar:

ClinVar aggregate classification (germline): Pathogenic (1 of 4 stars; one submission).

Conditions:
Hereditary breast ovarian cancer syndrome. Also called: Hereditary breast and ovarian cancer syndrome (HBOC); Hereditary breast and ovarian cancer; BRCA1- and BRCA2-Associated Hereditary Breast and Ovarian Cancer; Hereditary breast and ovarian cancer syndrome; Hereditary breast and/or ovarian cancer syndrome; Breast and ovarian cancer. Identifiers: Orphanet 145, MedGen C0677776, MeSH D061325, MONDO:0003582. Disease mechanism: loss of function.

Submission:

Labcorp Genetics (formerly Invitae), Labcorp
Classification: Pathogenic for Hereditary breast ovarian cancer syndrome. Last evaluated: 2024-07-03. Review status: criteria provided, single submitter. Criteria: Invitae Variant Classification Sherloc (09022015). Collection method: clinical testing. Allele origin: germline.
Comment: This sequence change creates a premature translational stop signal (p.Lys501*) in the BRCA1 gene. It is expected to result in an absent or disrupted protein product. Loss-of-function variants in BRCA1 are known to be pathogenic (PMID: 20104584). This variant is not present in population databases (gnomAD no frequency). This variant has not been reported in the literature in individuals affected with BRCA1-related conditions. For these reasons, this variant has been classified as Pathogenic.

Literature cited by the submitters: PubMed 20104584.

NM_007294.4(BRCA1):c.1501A>T (p.Lys501Ter)

Gene: BRCA1 (BRCA1 DNA repair associated; minus strand). Cytogenetic location: 17q21.31.
Variant type: single nucleotide variant.
Coding change: c.1501A>T on transcript NM_007294.4 (MANE Select); coding-DNA position 1501, A replaced by T.
Protein change: p.Lys501Ter; replaces lysine 501 with a stop codon.
Molecular consequence: nonsense. On other transcripts: intron variant (137).
Genome position (GRCh38, 1-based): chr17:43,094,030, T>A on the plus strand (A>T on the coding strand, the complement: BRCA1 is on the minus strand). VCF-style: chr17-43094030-T-A. GRCh37 (hg19) VCF-style: chr17-41246047-T-A.
Other names: c.1120A>T, p.Lys374Ter (NM_001407960.1, NM_001407963.1, NM_001407959.1); c.1117A>T, p.Lys373Ter (NM_001407962.1); c.1357A>T, p.Lys453Ter (NM_001407964.1, NM_001407740.1, NM_001407741.1 and 20 more transcripts); c.613A>T, p.Lys205Ter (NM_001407966.1, NM_001407967.1); c.997A>T, p.Lys333Ter (NM_001407965.1); c.1360A>T, p.Lys454Ter (NM_007297.4, NM_001407692.1, NM_001407694.1 and 29 more transcripts); c.1501A>T, p.Lys501Ter (NM_007300.4, NM_001407581.1, NM_001407582.1 and 30 more transcripts); c.646+714A>T (NM_001408458.1, NM_001408461.1, NM_001408469.1 and 11 more transcripts); and 40 more; short protein forms K390*, K413*, K431*, K453*, K498*, K501*, K373*, K412*.
Identifiers: ClinVar variation 3646696 (VCV003646696.2).